The following is an entry in ClinVar:

ClinVar aggregate classification (germline): Uncertain significance (1 of 4 stars; one submission).

Conditions:
Inborn genetic diseases. Identifiers: MedGen C0950123, MeSH D030342.

Allele frequency attached by ClinVar (database versions not stated): gnomAD exomes below 0.00001.

Submission:

Ambry Genetics
Classification: Uncertain significance for Inborn genetic diseases. Last evaluated: 2023-08-31. Review status: criteria provided, single submitter. Criteria: Ambry Variant Classification Scheme 2023. Collection method: clinical testing. Allele origin: germline.
Comment: The p.S1769F variant (also known as c.5306C>T), located in coding exon 36 of the LRRK2 gene, results from a C to T substitution at nucleotide position 5306. The serine at codon 1769 is replaced by phenylalanine, an amino acid with highly dissimilar properties. This amino acid position is conserved. In addition, this alteration is predicted to be deleterious by in silico analysis. Since supporting evidence is limited at this time, the clinical significance of this alteration remains unclear.

NM_198578.4(LRRK2):c.5306C>T (p.Ser1769Phe)

Gene: LRRK2 (leucine rich repeat kinase 2; plus strand). Cytogenetic location: 12q12.
Variant type: single nucleotide variant.
Coding change: c.5306C>T on transcript NM_198578.4 (MANE Select); coding-DNA position 5306, C replaced by T.
Protein change: p.Ser1769Phe; replaces serine 1769 with phenylalanine.
Molecular consequence: missense variant.
Genome position (GRCh38, 1-based): chr12:40,322,170, C>T. VCF-style: chr12-40322170-C-T. GRCh37 (hg19) VCF-style: chr12-40715972-C-T.
Other names: short protein forms S1769F.
Identifiers: ClinVar variation 1746727 (VCV001746727.3), dbSNP rs2499883959, ClinGen allele CA384420455.